The following is an entry in ClinVar:

NM_020166.5(MCCC1):c.1268-7A>G

Gene: MCCC1 (methylcrotonyl-CoA carboxylase subunit 1; minus strand). Cytogenetic location: 3q27.1.
Variant type: single nucleotide variant.
Coding change: c.1268-7A>G on transcript NM_020166.5 (MANE Select); 7 bases into the intron before coding-DNA position 1268, A replaced by G.
Molecular consequence: intron variant.
Genome position (GRCh38, 1-based): chr3:183,039,142, T>C on the plus strand (A>G on the coding strand, the complement: MCCC1 is on the minus strand). VCF-style: chr3-183039142-T-C. GRCh37 (hg19) VCF-style: chr3-182756930-T-C.
Other names: c.941-7A>G (NM_001363880.1); c.917-7A>G (NM_001293273.2).
Identifiers: ClinVar variation 933566 (VCV000933566.11), dbSNP rs1417892958, ClinGen allele CA548362774.

ClinVar aggregate classification (germline): Uncertain significance. Review status: criteria provided, multiple submitters, no conflicts (2 of 4 stars). 2 submissions from 2 submitters: Uncertain significance (2). Last evaluated 2022-10-18.

Conditions:
3-methylcrotonyl-CoA carboxylase 1 deficiency (MCC1D). Also called: MCCD TYPE 1; METHYLCROTONYLGLYCINURIA TYPE I; MCC 1 deficiency; 3 Alpha methylcrotonylglycinuria 1. Identifiers: Orphanet 6, MedGen CN028786, MONDO:0008861, OMIM 210200.

Allele frequency attached by ClinVar (database versions not stated): gnomAD exomes below 0.00001; gnomAD 0.00001.
gnomAD v4.1: 1 of 1,613,794 alleles (0.000062%); highest among the groups gnomAD compares: Non-Finnish European, 0.000085%; no homozygotes.

Submissions (2):

Labcorp Genetics (formerly Invitae), Labcorp
Classification: Uncertain significance for 3-methylcrotonyl-CoA carboxylase 1 deficiency. Last evaluated: 2022-10-18. Review status: criteria provided, single submitter. Criteria: Invitae Variant Classification Sherloc (09022015). Collection method: clinical testing. Allele origin: germline.
Comment: In summary, the available evidence is currently insufficient to determine the role of this variant in disease. Therefore, it has been classified as a Variant of Uncertain Significance. Algorithms developed to predict the effect of sequence changes on RNA splicing suggest that this variant may disrupt the consensus splice site. ClinVar contains an entry for this variant (Variation ID: 933566). This variant has been observed in individual(s) with clinical features of 3 methylcrotonyl-CoA carboxylase deficiency (Invitae). In at least one individual the data is consistent with being in trans (on the opposite chromosome) from a pathogenic variant. This variant is present in population databases (no rsID available, gnomAD 0.004%). This sequence change falls in intron 11 of the MCCC1 gene. It does not directly change the encoded amino acid sequence of the MCCC1 protein.

GeneDx
Classification: Uncertain significance. Last evaluated: 2020-01-07. Review status: criteria provided, single submitter. Criteria: GeneDx Variant Classification Process June 2021. Collection method: clinical testing. Allele origin: germline. Affected: yes.
Comment: Not observed at a significant frequency in large population cohorts (Lek et al., 2016); In silico analysis, which includes splice predictors and evolutionary conservation, suggests this variant may impact gene splicing. In the absence of RNA/functional studies, the actual effect of this sequence change is unknown.; Has not been previously published as pathogenic or benign to our knowledge